The following is an entry in ClinVar:

NM_014946.4(SPAST):c.285C>T (p.Ala95=)

Gene: SPAST (spastin; plus strand). Cytogenetic location: 2p22.3.
Variant type: single nucleotide variant.
Coding change: c.285C>T on transcript NM_014946.4 (MANE Select); coding-DNA position 285, C replaced by T.
Protein change: p.Ala95=; no amino-acid change (alanine 95 retained).
Molecular consequence: synonymous variant.
Genome position (GRCh38, 1-based): chr2:32,064,116, C>T. VCF-style: chr2-32064116-C-T. GRCh37 (hg19) VCF-style: chr2-32289185-C-T.
Other names: p.Ala95=; c.285C>T (NM_014946.3); c.285C>T, p.Ala95= (NM_001363823.2, NM_001363875.2, NM_001377959.1 and 1 more transcripts).
Identifiers: ClinVar variation 1594285 (VCV001594285.9), dbSNP rs754540160, ClinGen allele CA45201402.

ClinVar aggregate classification (germline): Likely benign. Review status: criteria provided, multiple submitters, no conflicts (2 of 4 stars). 2 submissions from 2 submitters: Likely benign (2). Last evaluated 2025-03-26.

Conditions:
Hereditary spastic paraplegia 4. Also called: Spastic paraplegia 4, autosomal dominant; Spastic Paraplegia 4; Familial spastic paraplegia autosomal dominant 2. Identifiers: Orphanet 100985, MedGen C1866855, MONDO:0008438, OMIM 182601.

gnomAD v4.1: 11 of 1,596,730 alleles (0.00069%); highest among the groups gnomAD compares: African/African-American, 0.004%; no homozygotes.

Submissions (2):

Mayo Clinic Laboratories, Mayo Clinic
Classification: Likely benign. Last evaluated: 2025-03-26. Review status: criteria provided, single submitter. Criteria: ACMG Guidelines, 2015. Collection method: clinical testing. Allele origin: germline. Observed: 1 variant allele.
Comment: BP4, BP7

Labcorp Genetics (formerly Invitae), Labcorp
Classification: Likely benign for Hereditary spastic paraplegia 4. Last evaluated: 2024-04-24. Review status: criteria provided, single submitter. Criteria: Invitae Variant Classification Sherloc (09022015). Collection method: clinical testing. Allele origin: germline.